The following is an entry in ClinVar:

ClinVar aggregate classification (germline): Likely pathogenic (1 of 4 stars; one submission).

Conditions:
Neurodevelopmental disorder with hypotonia, stereotypic hand movements, and impaired language. Also called: Intellectual disability, autosomal dominant 20. Identifiers: Orphanet 228384, Orphanet 664410, MedGen C3150700, MONDO:0013266, OMIM 613443.

Submission:

3billion
Classification: Likely pathogenic for Neurodevelopmental disorder with hypotonia, stereotypic hand movements, and impaired language. Last evaluated: 2022-09-01. Review status: criteria provided, single submitter. Criteria: ACMG Guidelines, 2015. Collection method: clinical testing. Allele origin: germline. Affected: yes. Observed: 1 heterozygote.
Comment: The variant is not observed in the gnomAD v2.1.1 dataset. This variant on the canonical splice site is predicted to alter splicing, resulting in a loss or disruption of normal protein function. Multiple pathogenic loss-of-function variants are reported downstream of the variant. Therefore, this variant is classified as Likely pathogenic according to the recommendation of ACMG/AMP guideline.

NM_002397.5(MEF2C):c.835-2A>G

Gene: MEF2C (myocyte enhancer factor 2C; minus strand). Cytogenetic location: 5q14.3.
Variant type: single nucleotide variant.
Coding change: c.835-2A>G on transcript NM_002397.5 (MANE Select); the canonical splice acceptor site of the intron before coding-DNA position 835, A replaced by G.
Molecular consequence: splice acceptor variant.
Genome position (GRCh38, 1-based): chr5:88,729,349, T>C on the plus strand (A>G on the coding strand, the complement: MEF2C is on the minus strand). VCF-style: chr5-88729349-T-C. GRCh37 (hg19) VCF-style: chr5-88025166-T-C.
Other names: c.835-2A>G (NM_001364329.2, NM_001364330.2, NM_001193350.2 and 9 more transcripts); c.811-2A>G (NM_001364333.2, NM_001308002.3, NM_001364349.2 and 6 more transcripts); c.691-2A>G (NM_001364344.2, NM_001364354.2, NM_001364332.2 and 2 more transcripts); c.457-2A>G (NM_001364353.2, NM_001364356.2); c.805-2A>G (NM_001131005.2, NM_001364352.2, NM_001364343.2); c.865-2A>G (NM_001193347.1, NM_001364338.2); c.667-2A>G (NM_001193348.1); c.385-2A>G (NM_001364357.2).
Identifiers: ClinVar variation 1705312 (VCV001705312.1), dbSNP rs2546975516, ClinGen allele CA360423072.